The following is an entry in ClinVar:

NM_001211.6(BUB1B):c.2834G>A (p.Cys945Tyr)

Genes: BUB1B (BUB1 mitotic checkpoint serine/threonine kinase B; plus strand), BUB1B-PAK6 (BUB1B-PAK6 readthrough; plus strand). Cytogenetic location: 15q15.1.
Variant type: single nucleotide variant.
Coding change: c.2834G>A on transcript NM_001211.6 (MANE Select); coding-DNA position 2834, G replaced by A.
Protein change: p.Cys945Tyr; replaces cysteine 945 with tyrosine.
Molecular consequence: missense variant. On other transcripts: 5 prime UTR variant (2).
Genome position (GRCh38, 1-based): chr15:40,217,651, G>A. VCF-style: chr15-40217651-G-A. GRCh37 (hg19) VCF-style: chr15-40509852-G-A.
Other names: c.-217G>A (NM_001128628.3); c.-134G>A (NM_001128629.3); short protein forms C945Y.
Identifiers: ClinVar variation 840075 (VCV000840075.9), dbSNP rs974385539, ClinGen allele CA391688125.

ClinVar aggregate classification (germline): Uncertain significance (1 of 4 stars; one submission).

Conditions:
Mosaic variegated aneuploidy syndrome 1 (MVA1). Also called: Warburton-Anyane-Yeboa syndrome. Identifiers: Orphanet 1052, MedGen C1850343, MONDO:0009759, OMIM 257300.

Allele frequency attached by ClinVar (database versions not stated): gnomAD exomes below 0.00001.

Submission:

Labcorp Genetics (formerly Invitae), Labcorp
Classification: Uncertain significance for Mosaic variegated aneuploidy syndrome 1. Last evaluated: 2021-10-09. Review status: criteria provided, single submitter. Criteria: Invitae Variant Classification Sherloc (09022015). Collection method: clinical testing. Allele origin: germline.
Comment: This variant is not present in population databases (ExAC no frequency). In summary, the available evidence is currently insufficient to determine the role of this variant in disease. Therefore, it has been classified as a Variant of Uncertain Significance. Experimental studies have shown that this missense change does not substantially affect BUB1B function (PMID: 27239782). Algorithms developed to predict the effect of missense changes on protein structure and function are either unavailable or do not agree on the potential impact of this missense change (SIFT: "Tolerated"; PolyPhen-2: "Probably Damaging"; Align-GVGD: "Class C0"). This missense change has been observed in individual(s) with colorectal cancer (PMID: 27239782). This sequence change replaces cysteine with tyrosine at codon 945 of the BUB1B protein (p.Cys945Tyr). The cysteine residue is weakly conserved and there is a large physicochemical difference between cysteine and tyrosine.

Literature cited by the submitters: PubMed 27239782.